The following is an entry in ClinVar:

ClinVar aggregate classification (germline): Uncertain significance. Review status: criteria provided, multiple submitters, no conflicts (2 of 4 stars). 2 submissions from 2 submitters: Uncertain significance (2). Last evaluated 2025-11-08.

Conditions:
Hepatic veno-occlusive disease-immunodeficiency syndrome. Also called: Hepatic Veno-Occlusive Disease with Immunodeficiency. Identifiers: Orphanet 79124, MedGen C1856128, MONDO:0009338, OMIM 235550. Disease mechanism: loss of function.
Inborn genetic diseases. Identifiers: MedGen C0950123, MeSH D030342.

Allele frequency attached by ClinVar (database versions not stated): gnomAD 0.00001; gnomAD exomes 0.00001 and 0.00002; ExAC 0.00003; 1000 Genomes Project 30x 0.00016; 1000 Genomes Project 0.00020.
gnomAD v4.1: 10 of 1,595,216 alleles (0.00063%); highest among the groups gnomAD compares: South Asian, 0.0099%; no homozygotes.

Submissions (2):

Ambry Genetics
Classification: Uncertain significance for Inborn genetic diseases. Last evaluated: 2025-11-08. Review status: criteria provided, single submitter. Criteria: Ambry Variant Classification Scheme 2023. Collection method: clinical testing. Allele origin: germline.

Labcorp Genetics (formerly Invitae), Labcorp
Classification: Uncertain significance for Hepatic veno-occlusive disease-immunodeficiency syndrome. Last evaluated: 2022-07-19. Review status: criteria provided, single submitter. Criteria: Invitae Variant Classification Sherloc (09022015). Collection method: clinical testing. Allele origin: germline.
Comment: In summary, the available evidence is currently insufficient to determine the role of this variant in disease. Therefore, it has been classified as a Variant of Uncertain Significance. Algorithms developed to predict the effect of missense changes on protein structure and function (SIFT, PolyPhen-2, Align-GVGD) all suggest that this variant is likely to be tolerated. ClinVar contains an entry for this variant (Variation ID: 1428796). This variant has not been reported in the literature in individuals affected with SP110-related conditions. This variant is present in population databases (rs547677489, gnomAD 0.02%). This sequence change replaces methionine, which is neutral and non-polar, with valine, which is neutral and non-polar, at codon 570 of the SP110 protein (p.Met570Val).

NM_080424.4(SP110):c.1708A>G (p.Met570Val)

Gene: SP110 (SP110 nuclear body protein; minus strand). Cytogenetic location: 2q37.1.
Variant type: single nucleotide variant.
Coding change: c.1708A>G on transcript NM_080424.4 (MANE Select); coding-DNA position 1708, A replaced by G.
Protein change: p.Met570Val; replaces methionine 570 with valine.
Molecular consequence: missense variant.
Genome position (GRCh38, 1-based): chr2:230,172,173, T>C on the plus strand (A>G on the coding strand, the complement: SP110 is on the minus strand). VCF-style: chr2-230172173-T-C. GRCh37 (hg19) VCF-style: chr2-231036889-T-C.
Other names: c.1726A>G, p.Met576Val (NM_001378442.1, NM_001378444.1, NM_001378445.1 and 1 more transcripts); c.1708A>G, p.Met570Val (NM_001378443.1, NM_004509.5); c.1708A>G (NM_004509.3); short protein forms M570V, M576V.
Identifiers: ClinVar variation 1428796 (VCV001428796.9), dbSNP rs547677489, ClinGen allele CA2154366.